The following is an entry in ClinVar:

ClinVar aggregate classification (germline): Likely pathogenic (1 of 4 stars; one submission).

Conditions:
Chronic kidney disease. Identifiers: MedGen C1561643, MONDO:0005300, HP:0012622.

Submission:

Cavalleri Lab, Royal College of Surgeons in Ireland
Classification: Likely pathogenic for Chronic kidney disease. Last evaluated: 2020-05-28. Review status: criteria provided, single submitter. Criteria: ACMG Guidelines, 2015. Collection method: research. Allele origin: unknown. Inheritance: Autosomal dominant inheritance. Affected: yes. Observed: 2 variant alleles.
Comment: PVS1, PM2, BP5

NM_000092.5(COL4A4):c.2164+2T>G

Gene: COL4A4 (collagen type IV alpha 4 chain; minus strand). Cytogenetic location: 2q36.3.
Variant type: single nucleotide variant.
Coding change: c.2164+2T>G on transcript NM_000092.5 (MANE Select); the canonical splice donor site of the intron after coding-DNA position 2164, T replaced by G.
Molecular consequence: splice donor variant.
Genome position (GRCh38, 1-based): chr2:227,060,134, A>C on the plus strand (T>G on the coding strand, the complement: COL4A4 is on the minus strand). VCF-style: chr2-227060134-A-C. GRCh37 (hg19) VCF-style: chr2-227924850-A-C.
Identifiers: ClinVar variation 977307 (VCV000977307.1), dbSNP rs1976595133, ClinGen allele CA350842252.